The following is an entry in ClinVar:

NM_000350.3(ABCA4):c.2908del (p.Thr970fs)

Gene: ABCA4 (ATP binding cassette subfamily A member 4; minus strand). Cytogenetic location: 1p22.1.
Variant type: Deletion.
Coding change: c.2908del on transcript NM_000350.3 (MANE Select); coding-DNA position 2908, one base deleted (A; older notation c.2908delA).
Protein change: p.Thr970fs; shifts the reading frame from threonine 970.
Molecular consequence: frameshift variant.
Genome position (GRCh38, 1-based): chr1:94,046,929, T deleted on the plus strand (A on the coding strand, the reverse complement: ABCA4 is on the minus strand); the first of 4 consecutive T bases (chr1:94,046,929-94,046,932); deleting any one gives the same sequence. VCF-style (leftmost placement, unchanged base first): chr1-94046928-GT-G. GRCh37 (hg19) VCF-style: chr1-94512484-GT-G.
Other names: c.2683delA, p.Thr896Profs (NM_001425324.1); short protein forms T970fs.
Identifiers: ClinVar variation 1351564 (VCV001351564.7), dbSNP rs2101057076, ClinGen allele CA2573132714.

ClinVar aggregate classification (germline): Pathogenic. Review status: criteria provided, single submitter (1 of 4 stars). 2 submissions from 2 submitters: Pathogenic (1). 1 of the submissions does not count toward it. Last evaluated 2021-07-28.

Conditions:
Stargardt disease (FFM). Also called: Stargardt's disease; Fundus flavimaculatus. Identifiers: Orphanet 827, MedGen C0271093, MONDO:0019353.

Submissions (2):

Labcorp Genetics (formerly Invitae), Labcorp
Classification: Pathogenic. Last evaluated: 2021-07-28. Review status: criteria provided, single submitter. Criteria: Invitae Variant Classification Sherloc (09022015). Collection method: clinical testing. Allele origin: germline.
Comment: This variant has not been reported in the literature in individuals affected with ABCA4-related conditions. For these reasons, this variant has been classified as Pathogenic. This variant is not present in population databases (ExAC no frequency). This sequence change creates a premature translational stop signal (p.Thr970Profs*7) in the ABCA4 gene. It is expected to result in an absent or disrupted protein product. Loss-of-function variants in ABCA4 are known to be pathogenic (PMID: 10958761, 24938718, 25312043, 26780318).

Ophthalmo-Genetics Lab, Instituto de Oftalmologia Conde de Valenciana
Classification: Pathogenic for Stargardt disease. Last evaluated: 2022-12-20. Review status: no assertion criteria provided. Collection method: research. Allele origin: biparental. Inheritance: Autosomal recessive inheritance. Affected: yes. Observed: 1 compound heterozygote. Not counted in ClinVar's aggregate classification.
Comment: PVS1,PM2,PP5 ACMG Criteria

Literature cited by the submitters: PubMed 10958761 (cited by Labcorp Genetics (formerly Invitae), Labcorp); PubMed 24938718 (cited by Labcorp Genetics (formerly Invitae), Labcorp); PubMed 25312043 (cited by Labcorp Genetics (formerly Invitae), Labcorp); PubMed 26780318 (cited by Labcorp Genetics (formerly Invitae), Labcorp); PubMed 35608843 (cited by Ophthalmo-Genetics Lab, Instituto de Oftalmologia Conde de Valenciana).